The following is an entry in ClinVar:

ClinVar aggregate classification (germline): Conflicting classifications of pathogenicity. Review status: criteria provided, conflicting classifications (1 of 4 stars). 5 submissions from 5 submitters: Uncertain significance (1); Likely benign (3). 1 of the submissions does not count toward it. Last evaluated 2025-11-21.

Conditions:
Kabuki syndrome. Also called: Kabuki make-up syndrome; NIIKAWA-KUROKI SYNDROME. Identifiers: Orphanet 2322, MedGen C0796004, MONDO:0016512.
KMT2D-related disorder. Also called: KMT2D-Related Disorders.

gnomAD v4.1: 4 of 1,613,358 alleles (0.00025%); highest among the groups gnomAD compares: Middle Eastern, 0.049%; no homozygotes.

Submissions (5):

Labcorp Genetics (formerly Invitae), Labcorp
Classification: Likely benign for Kabuki syndrome. Last evaluated: 2025-11-21. Review status: criteria provided, single submitter. Criteria: Invitae Variant Classification Sherloc (09022015). Collection method: clinical testing. Allele origin: germline.

GeneDx
Classification: Likely benign. Last evaluated: 2020-10-19. Review status: criteria provided, single submitter. Criteria: GeneDx Variant Classification Process June 2021. Collection method: clinical testing. Allele origin: germline. Affected: yes.

Blueprint Genetics
Classification: Likely benign. Last evaluated: 2020-03-12. Review status: criteria provided, single submitter. Criteria: ACMG Guidelines, 2015. Collection method: clinical testing. Allele origin: germline.

Eurofins Ntd Llc (ga)
Classification: Uncertain significance. Last evaluated: 2014-04-22. Review status: criteria provided, single submitter. Criteria: EGL Classification Definitions 2015. Collection method: clinical testing. Allele origin: germline. Observed: 1 variant allele, 1 heterozygote.

PreventionGenetics, part of Exact Sciences
Classification: Likely benign for KMT2D-related condition. Last evaluated: 2019-03-01. Review status: no assertion criteria provided. Collection method: clinical testing. Allele origin: germline. Not counted in ClinVar's aggregate classification.
Comment: This variant is classified as likely benign based on ACMG/AMP sequence variant interpretation guidelines (Richards et al. 2015 PMID: 25741868, with internal and published modifications).

NM_003482.4(KMT2D):c.13437G>T (p.Gly4479=)

Gene: KMT2D (lysine methyltransferase 2D; minus strand). Cytogenetic location: 12q13.12.
Variant type: single nucleotide variant.
Coding change: c.13437G>T on transcript NM_003482.4 (MANE Select); coding-DNA position 13437, G replaced by T.
Protein change: p.Gly4479=; no amino-acid change (glycine 4479 retained).
Molecular consequence: synonymous variant.
Genome position (GRCh38, 1-based): chr12:49,031,268, C>A on the plus strand (G>T on the coding strand, the complement: KMT2D is on the minus strand). VCF-style: chr12-49031268-C-A. GRCh37 (hg19) VCF-style: chr12-49425051-C-A.
Identifiers: ClinVar variation 167220 (VCV000167220.12), dbSNP rs727503981, ClinGen allele CA234168.
Genomic context (GRCh38, chr12:49,031,268, plus strand): 5'-CTCCAGCCCAGCCAGCTTGCTGTCAATGTGCCCGTTGATCTCAGCTCGCAGCCCCTCGGA[C>A]CCCCGCCCAGTGCTGAGTTGCACATTCTTTGCCCGGAGTAGCTTCTGCAAGAGCAGATGC-3'
Protein context (NP_003473.3, residues 4469-4489): AKNVQLSTGR[Gly4479=]SEGLRAEING